The following is an entry in ClinVar:

ClinVar aggregate classification (germline): Conflicting classifications of pathogenicity. Review status: criteria provided, conflicting classifications (1 of 4 stars). 9 submissions from 7 submitters: Uncertain significance (7); Likely benign (1). 1 of the submissions does not count toward it. Last evaluated 2025-12-08.

Conditions:
Hereditary spherocytosis type 3. Also called: SPTA1-Related Spherocytosis; Spherocytosis type 3. Identifiers: Orphanet 822, MedGen C2678338, MONDO:0010053, OMIM 270970.
Elliptocytosis 2 (EL2). Also called: ELLIPTOCYTOSIS, RHESUS-UNLINKED TYPE. Identifiers: Orphanet 288, MedGen C1851741, MONDO:0007533, OMIM 130600.
Pyropoikilocytosis, hereditary. Also called: Pyropoikilocytosis. Identifiers: MedGen C0520739, MONDO:0009948, OMIM 266140, HP:0004839. Disease mechanism: loss of function.

Allele frequency attached by ClinVar (database versions not stated): gnomAD exomes 0.00058; ExAC 0.00066; gnomAD 0.00237 and 0.00249; 1000 Genomes Project 0.00240; TOPMed 0.00248; 1000 Genomes Project 30x 0.00250; ESP Exome Variant Server 0.00283.
gnomAD v4.1: 638 of 1,614,018 alleles (0.04%); highest among the groups gnomAD compares: African/African-American, 0.76%; 5 homozygotes.

Submissions (9):

Labcorp Genetics (formerly Invitae), Labcorp
Classification: Likely benign. Last evaluated: 2025-12-08. Review status: criteria provided, single submitter. Criteria: Invitae Variant Classification Sherloc (09022015). Collection method: clinical testing. Allele origin: germline.

GeneDx
Classification: Uncertain significance. Last evaluated: 2025-09-06. Review status: criteria provided, single submitter. Criteria: GeneDx Variant Classification Process June 2021. Collection method: clinical testing. Allele origin: germline.
Comment: Reported in a patient with hereditary hemolytic anemia who also harbored an additional missense variant in the SPTA1 gene (PMID: 33074480); In silico analysis suggests that this missense variant does not alter protein structure/function; This variant is associated with the following publications: (PMID: 28195122, 32579932, 30485824, 28153049, 29544535, 28420421, 33074480)

Blueprint Genetics
Classification: Uncertain significance. Last evaluated: 2024-07-11. Review status: criteria provided, single submitter. Criteria: ACMG Guidelines, 2015. Collection method: clinical testing. Allele origin: germline.

ARUP Laboratories, Molecular Genetics and Genomics, ARUP Laboratories
Classification: Uncertain significance. Last evaluated: 2024-05-23. Review status: criteria provided, single submitter. Criteria: ARUP Molecular Germline Variant Investigation Process 2024. Collection method: clinical testing. Allele origin: germline.

Mayo Clinic Laboratories, Mayo Clinic
Classification: Uncertain significance. Last evaluated: 2022-07-26. Review status: criteria provided, single submitter. Criteria: ACMG Guidelines, 2015. Collection method: clinical testing. Allele origin: germline. Observed: 5 variant alleles.

Illumina Laboratory Services, Illumina
Classification: Uncertain significance for Hereditary spherocytosis type 3. Last evaluated: 2017-04-28. Review status: criteria provided, single submitter. Criteria: ICSL Variant Classification Criteria 13 December 2019. Collection method: clinical testing. Allele origin: germline.

Illumina Laboratory Services, Illumina
Classification: Uncertain significance for Elliptocytosis 2. Last evaluated: 2017-04-28. Review status: criteria provided, single submitter. Criteria: ICSL Variant Classification Criteria 13 December 2019. Collection method: clinical testing. Allele origin: germline.

Illumina Laboratory Services, Illumina
Classification: Uncertain significance for Pyropoikilocytosis, hereditary. Last evaluated: 2017-04-28. Review status: criteria provided, single submitter. Criteria: ICSL Variant Classification Criteria 13 December 2019. Collection method: clinical testing. Allele origin: germline.

Department of Pathology and Laboratory Medicine, Sinai Health System
Classification: Uncertain significance. Review status: no assertion criteria provided. Collection method: clinical testing. Allele origin: unknown. Affected: yes. Study: The Canadian Open Genetics Repository (COGR). Not counted in ClinVar's aggregate classification.
Comment: The SPTA1 p.Arg1077His variant was not identified in the literature nor was it identified in LOVD 3.0. The variant was identified in dbSNP (ID: rs199612744), ClinVar (classified as a VUS by ARUP Laboratories) and Cosmic. The variant was also identified in control databases in 214 of 280646 chromosomes (1 homozygous) at a frequency of 0.000763 increasing the likelihood this could be a low frequency benign variant (Genome Aggregation Database Feb 27, 2017). The variant was observed in the following populations: African in 196 of 24178 chromosomes (freq: 0.008107), Latino in 12 of 35342 chromosomes (freq: 0.00034), South Asian in 2 of 30602 chromosomes (freq: 0.000065) and European (non-Finnish) in 4 of 128486 chromosomes (freq: 0.000031), while the variant was not observed in the Ashkenazi Jewish, East Asian, European (Finnish) or Other populations. The p.Arg1077 residue is not conserved in mammals and computational analyses (PolyPhen-2, SIFT, AlignGVGD, BLOSUM, MutationTaster) do not suggest a high likelihood of impact to the protein; however, this information is not predictive enough to rule out pathogenicity. The variant occurs outside of the splicing consensus sequence and in silico or computational prediction software programs (SpliceSiteFinder, MaxEntScan, NNSPLICE, GeneSplicer) do not predict a difference in splicing. In summary, based on the above information the clinical significance of this variant cannot be determined with certainty at this time. This variant is classified as a variant of uncertain significance.

NM_003126.4(SPTA1):c.3230G>A (p.Arg1077His)

Gene: SPTA1 (spectrin alpha, erythrocytic 1; minus strand). Cytogenetic location: 1q23.1.
Variant type: single nucleotide variant.
Coding change: c.3230G>A on transcript NM_003126.4 (MANE Select); coding-DNA position 3230, G replaced by A.
Protein change: p.Arg1077His; replaces arginine 1077 with histidine.
Molecular consequence: missense variant.
Genome position (GRCh38, 1-based): chr1:158,652,612, C>T on the plus strand (G>A on the coding strand, the complement: SPTA1 is on the minus strand). VCF-style: chr1-158652612-C-T. GRCh37 (hg19) VCF-style: chr1-158622402-C-T.
Other names: short protein forms R1077H.
Identifiers: ClinVar variation 618391 (VCV000618391.33), dbSNP rs199612744, ClinGen allele CA1183113.
Genomic context (GRCh38, chr1:158,652,612, plus strand): 5'-CATTCCAGCATGTCTCCTGCCTCATAGGCCAATAAAAATTCATTATAACGTTGCAATAGA[C>T]GACGTCTGCGTTCTTCTGCCCGATCCAAGAGGGAGCGGTATCTGGATGGAGAATTGGGAA-3'
Protein context (NP_003117.2, residues 1067-1087): LLDRAEERRR[Arg1077His]LLQRYNEFLL